The following is an entry in ClinVar:

NM_001379500.1(COL18A1):c.2620+6G>T

Gene: COL18A1 (collagen type XVIII alpha 1 chain; plus strand). Cytogenetic location: 21q22.3.
Variant type: single nucleotide variant.
Coding change: c.2620+6G>T on transcript NM_001379500.1 (MANE Select); 6 bases into the intron after coding-DNA position 2620, G replaced by T.
Molecular consequence: intron variant.
Genome position (GRCh38, 1-based): chr21:45,497,098, G>T. VCF-style: chr21-45497098-G-T. GRCh37 (hg19) VCF-style: chr21-46917012-G-T.
Other names: c.3865+6G>T (NM_130444.3); c.3160+6G>T (NM_030582.4).
Identifiers: ClinVar variation 1950515 (VCV001950515.5), dbSNP rs1351337137, ClinGen allele CA638165153.
Genomic context (GRCh38, chr21:45,497,098, plus strand): 5'-CGTTCCTTGCAGGTGTTTGCTGAGTCCAGCCGCCCCGGGCCTCCAGGATTGCCAGGTGAG[G>T]GTCCTGGGCTCACAGCTGGGGACACAGGCTCTGAAGGGATGCTCCAGAGCCCCACCTTCC-3'

ClinVar aggregate classification (germline): Uncertain significance (1 of 4 stars; one submission).

Allele frequency attached by ClinVar (database versions not stated): TOPMed 0.00001.
gnomAD v4.1: 1 of 1,563,034 alleles (0.000064%); highest among the groups gnomAD compares: Admixed American, 0.0017%; no homozygotes.

Submission:

Labcorp Genetics (formerly Invitae), Labcorp
Classification: Uncertain significance. Last evaluated: 2022-08-23. Review status: criteria provided, single submitter. Criteria: Invitae Variant Classification Sherloc (09022015). Collection method: clinical testing. Allele origin: germline.
Comment: Variants that disrupt the consensus splice site are a relatively common cause of aberrant splicing (PMID: 17576681, 9536098). Experimental studies and prediction algorithms are not available or were not evaluated, and the effect of this variant on mRNA splicing is currently unknown. This sequence change falls in intron 31 of the COL18A1 gene. It does not directly change the encoded amino acid sequence of the COL18A1 protein. It affects a nucleotide within the consensus splice site. The frequency data for this variant in the population databases is considered unreliable, as metrics indicate poor data quality at this position in the gnomAD database. This variant has not been reported in the literature in individuals affected with COL18A1-related conditions. In summary, the available evidence is currently insufficient to determine the role of this variant in disease. Therefore, it has been classified as a Variant of Uncertain Significance.

Literature cited by the submitters: PubMed 17576681; PubMed 9536098.